The following is an entry in ClinVar:

NM_006302.3(MOGS):c.1837C>T (p.Arg613Trp)

Gene: MOGS (mannosyl-oligosaccharide glucosidase; minus strand). Cytogenetic location: 2p13.1.
Variant type: single nucleotide variant.
Coding change: c.1837C>T on transcript NM_006302.3 (MANE Select); coding-DNA position 1837, C replaced by T.
Protein change: p.Arg613Trp; replaces arginine 613 with tryptophan.
Molecular consequence: missense variant.
Genome position (GRCh38, 1-based): chr2:74,461,952, G>A on the plus strand (C>T on the coding strand, the complement: MOGS is on the minus strand). VCF-style: chr2-74461952-G-A. GRCh37 (hg19) VCF-style: chr2-74689079-G-A.
Other names: c.1837C>T (NM_006302.2); c.1519C>T, p.Arg507Trp (NM_001146158.2); short protein forms R507W, R613W.
Identifiers: ClinVar variation 1942175 (VCV001942175.4), dbSNP rs746332384, ClinGen allele CA1724707.

ClinVar aggregate classification (germline): Uncertain significance. Review status: criteria provided, multiple submitters, no conflicts (2 of 4 stars). 2 submissions from 2 submitters: Uncertain significance (2). Last evaluated 2025-08-28.

Conditions:
Inborn genetic diseases. Identifiers: MedGen C0950123, MeSH D030342.
MOGS-congenital disorder of glycosylation. Also called: CDG IIb; GLUCOSIDASE I DEFICIENCY; CDG 2B; MOGS-CDG. Identifiers: Orphanet 79330, MedGen C1853736, MONDO:0011629, OMIM 606056.

Allele frequency attached by ClinVar (database versions not stated): gnomAD exomes 0.00002; ExAC 0.00004; TOPMed 0.00007; gnomAD 0.00008.

Submissions (2):

Ambry Genetics
Classification: Uncertain significance for Inborn genetic diseases. Last evaluated: 2025-08-28. Review status: criteria provided, single submitter. Criteria: Ambry Variant Classification Scheme 2023. Collection method: clinical testing. Allele origin: germline.

Labcorp Genetics (formerly Invitae), Labcorp
Classification: Uncertain significance for MOGS-congenital disorder of glycosylation. Last evaluated: 2024-11-18. Review status: criteria provided, single submitter. Criteria: Invitae Variant Classification Sherloc (09022015). Collection method: clinical testing. Allele origin: germline.
Comment: This sequence change replaces arginine, which is basic and polar, with tryptophan, which is neutral and slightly polar, at codon 613 of the MOGS protein (p.Arg613Trp). This variant is present in population databases (rs746332384, gnomAD 0.02%). This variant has not been reported in the literature in individuals affected with MOGS-related conditions. ClinVar contains an entry for this variant (Variation ID: 1942175). Invitae Evidence Modeling of protein sequence and biophysical properties (such as structural, functional, and spatial information, amino acid conservation, physicochemical variation, residue mobility, and thermodynamic stability) indicates that this missense variant is not expected to disrupt MOGS protein function with a negative predictive value of 80%. In summary, the available evidence is currently insufficient to determine the role of this variant in disease. Therefore, it has been classified as a Variant of Uncertain Significance.